The following is an entry in ClinVar:

NM_015909.4(NBAS):c.1283G>A (p.Trp428Ter)

Gene: NBAS (NBAS subunit of NRZ tethering complex; minus strand). Cytogenetic location: 2p24.3.
Variant type: single nucleotide variant.
Coding change: c.1283G>A on transcript NM_015909.4 (MANE Select); coding-DNA position 1283, G replaced by A.
Protein change: p.Trp428Ter; replaces tryptophan 428 with a stop codon.
Molecular consequence: nonsense. On other transcripts: non-coding transcript variant (1).
Genome position (GRCh38, 1-based): chr2:15,475,745, C>T on the plus strand (G>A on the coding strand, the complement: NBAS is on the minus strand). VCF-style: chr2-15475745-C-T. GRCh37 (hg19) VCF-style: chr2-15615869-C-T.
Other names: short protein forms W428*.
Identifiers: ClinVar variation 1453321 (VCV001453321.6), dbSNP rs2148588620, ClinGen allele CA345890765.

ClinVar aggregate classification (germline): Pathogenic (1 of 4 stars; one submission).

Submission:

Labcorp Genetics (formerly Invitae), Labcorp
Classification: Pathogenic. Last evaluated: 2024-11-11. Review status: criteria provided, single submitter. Criteria: Invitae Variant Classification Sherloc (09022015). Collection method: clinical testing. Allele origin: germline.
Comment: This sequence change creates a premature translational stop signal (p.Trp428*) in the NBAS gene. It is expected to result in an absent or disrupted protein product. Loss-of-function variants in NBAS are known to be pathogenic (PMID: 26073778, 26541327, 27789416, 28031453). This variant is not present in population databases (gnomAD no frequency). This variant has not been reported in the literature in individuals affected with NBAS-related conditions. ClinVar contains an entry for this variant (Variation ID: 1453321). For these reasons, this variant has been classified as Pathogenic.

Literature cited by the submitters: PubMed 26073778; PubMed 26541327; PubMed 27789416; PubMed 28031453.